The following is an entry in ClinVar:

NM_002637.4(PHKA1):c.2370-19C>T

Gene: PHKA1 (phosphorylase kinase regulatory subunit alpha 1; minus strand). Cytogenetic location: Xq13.1.
Variant type: single nucleotide variant.
Coding change: c.2370-19C>T on transcript NM_002637.4 (MANE Select); 19 bases into the intron before coding-DNA position 2370, C replaced by T.
Molecular consequence: intron variant.
Genome position (GRCh38, 1-based): chrX:72,611,203, G>A on the plus strand (C>T on the coding strand, the complement: PHKA1 is on the minus strand). VCF-style: chrX-72611203-G-A. GRCh37 (hg19) VCF-style: chrX-71831053-G-A.
Other names: c.2193-19C>T (NM_001172436.2); c.2370-19C>T (NM_001122670.2).
Identifiers: ClinVar variation 515853 (VCV000515853.6), dbSNP rs376822361, ClinGen allele CA10450705.

ClinVar aggregate classification (germline): Likely benign. Review status: criteria provided, multiple submitters, no conflicts (2 of 4 stars). 2 submissions from 2 submitters: Likely benign (2). Last evaluated 2026-01-11.

Conditions:
Glycogen storage disease IXd (GSD9D). Also called: Muscle Phosphorylase Kinase Deficiency; GSD IXd. Identifiers: Orphanet 715, MedGen C1845151, MONDO:0010362, OMIM 300559.

Allele frequency attached by ClinVar (database versions not stated): ExAC 0.00001; gnomAD exomes 0.00001 and 0.00004; ESP Exome Variant Server 0.00009; gnomAD 0.00010 and 0.00012; TOPMed 0.00014.
gnomAD v4.1: 21 of 1,162,390 alleles (0.0018%); highest among the groups gnomAD compares: African/African-American, 0.034%; no homozygotes.

Submissions (2):

Labcorp Genetics (formerly Invitae), Labcorp
Classification: Likely benign for Glycogen storage disease IXd. Last evaluated: 2026-01-11. Review status: criteria provided, single submitter. Criteria: Invitae Variant Classification Sherloc (09022015). Collection method: clinical testing. Allele origin: germline.

GeneDx
Classification: Likely benign. Last evaluated: 2018-03-02. Review status: criteria provided, single submitter. Criteria: GeneDx Variant Classification (06012015). Collection method: clinical testing. Allele origin: germline. Affected: yes.
Comment: This variant is considered likely benign or benign based on one or more of the following criteria: it is a conservative change, it occurs at a poorly conserved position in the protein, it is predicted to be benign by multiple in silico algorithms, and/or has population frequency not consistent with disease.